The following is an entry in ClinVar:

NM_000550.3(TYRP1):c.1528G>A (p.Ala510Thr)

Genes: LURAP1L-AS1 (LURAP1L antisense RNA 1; minus strand), TYRP1 (tyrosinase related protein 1; plus strand). Cytogenetic location: 9p23.
Variant type: single nucleotide variant.
Coding change: c.1528G>A on transcript NM_000550.3 (MANE Select); coding-DNA position 1528, G replaced by A.
Protein change: p.Ala510Thr; replaces alanine 510 with threonine.
Molecular consequence: missense variant.
Genome position (GRCh38, 1-based): chr9:12,709,096, G>A. VCF-style: chr9-12709096-G-A. GRCh37 (hg19) VCF-style: chr9-12709096-G-A.
Other names: short protein forms A510T.
Identifiers: ClinVar variation 2042929 (VCV002042929.4), dbSNP rs759321415, ClinGen allele CA372932582.

ClinVar aggregate classification (germline): Uncertain significance (1 of 4 stars; one submission).

Submission:

Labcorp Genetics (formerly Invitae), Labcorp
Classification: Uncertain significance. Last evaluated: 2021-12-14. Review status: criteria provided, single submitter. Criteria: Invitae Variant Classification Sherloc (09022015). Collection method: clinical testing. Allele origin: germline.
Comment: This sequence change replaces alanine, which is neutral and non-polar, with threonine, which is neutral and polar, at codon 510 of the TYRP1 protein (p.Ala510Thr). In summary, the available evidence is currently insufficient to determine the role of this variant in disease. Therefore, it has been classified as a Variant of Uncertain Significance. Algorithms developed to predict the effect of missense changes on protein structure and function (SIFT, PolyPhen-2, Align-GVGD) all suggest that this variant is likely to be tolerated. This variant has not been reported in the literature in individuals affected with TYRP1-related conditions. This variant is not present in population databases (gnomAD no frequency).